The following is an entry in ClinVar:

ClinVar aggregate classification (germline): Uncertain significance (1 of 4 stars; one submission).

Allele frequency attached by ClinVar (database versions not stated): gnomAD exomes below 0.00001; gnomAD 0.00001 and 0.00003; TOPMed 0.00004.
gnomAD v4.1: 9 of 1,613,740 alleles (0.00056%); highest among the groups gnomAD compares: Non-Finnish European, 0.00076%; no homozygotes.

Submission:

Labcorp Genetics (formerly Invitae), Labcorp
Classification: Uncertain significance. Last evaluated: 2022-05-27. Review status: criteria provided, single submitter. Criteria: Invitae Variant Classification Sherloc (09022015). Collection method: clinical testing. Allele origin: germline.
Comment: This sequence change replaces glycine, which is neutral and non-polar, with arginine, which is basic and polar, at codon 73 of the DTNBP1 protein (p.Gly73Arg). This variant is not present in population databases (gnomAD no frequency). This variant has not been reported in the literature in individuals affected with DTNBP1-related conditions. Algorithms developed to predict the effect of missense changes on protein structure and function (SIFT, PolyPhen-2, Align-GVGD) all suggest that this variant is likely to be disruptive. In summary, the available evidence is currently insufficient to determine the role of this variant in disease. Therefore, it has been classified as a Variant of Uncertain Significance.

NM_032122.5(DTNBP1):c.217G>A (p.Gly73Arg)

Gene: DTNBP1 (dystrobrevin binding protein 1; minus strand). Cytogenetic location: 6p22.3.
Variant type: single nucleotide variant.
Coding change: c.217G>A on transcript NM_032122.5 (MANE Select); coding-DNA position 217, G replaced by A.
Protein change: p.Gly73Arg; replaces glycine 73 with arginine.
Molecular consequence: missense variant. On other transcripts: 5 prime UTR variant (1), non-coding transcript variant (1).
Genome position (GRCh38, 1-based): chr6:15,637,749, C>T on the plus strand (G>A on the coding strand, the complement: DTNBP1 is on the minus strand). VCF-style: chr6-15637749-C-T. GRCh37 (hg19) VCF-style: chr6-15637980-C-T.
Other names: c.-27G>A (NM_001271667.2); c.166G>A, p.Gly56Arg (NM_001271668.2); c.112G>A, p.Gly38Arg (NM_001271669.2); c.217G>A, p.Gly73Arg (NM_183040.2); short protein forms G38R, G73R, G56R.
Identifiers: ClinVar variation 1479568 (VCV001479568.6), dbSNP rs1017079586, ClinGen allele CA135265937.